The following is an entry in ClinVar:

ClinVar aggregate classification (germline): Benign/Likely benign. Review status: criteria provided, multiple submitters, no conflicts (2 of 4 stars). 10 submissions from 10 submitters: Benign (2); Likely benign (6). 2 of the submissions do not count toward it. Last evaluated 2026-01-24.

Conditions:
Cardiovascular phenotype. Identifiers: MedGen CN230736.
Cardiomyopathy (CMYO). Also called: Cardiomyopathies. Identifiers: Orphanet 167848, MedGen C0878544, MONDO:0004994, HP:0001638. Inheritance: Various modes of inheritance.
Lethal congenital glycogen storage disease of heart. Also called: GLYCOGEN STORAGE DISEASE OF HEART; PHOSPHORYLASE KINASE DEFICIENCY OF HEART. Identifiers: Orphanet 439854, MedGen C1849813, MONDO:0009867, OMIM 261740.

Allele frequency attached by ClinVar (database versions not stated): gnomAD exomes 0.00004 and 0.00008; ExAC 0.00008; 1000 Genomes Project 30x 0.00016; gnomAD 0.00019 and 0.00023; 1000 Genomes Project 0.00020; TOPMed 0.00033; ESP Exome Variant Server 0.00038.
gnomAD v4.1: 89 of 1,613,898 alleles (0.0055%); highest among the groups gnomAD compares: Middle Eastern, 0.082%; no homozygotes.

Submissions (10):

Labcorp Genetics (formerly Invitae), Labcorp
Classification: Likely benign for Lethal congenital glycogen storage disease of heart. Last evaluated: 2026-01-24. Review status: criteria provided, single submitter. Criteria: Invitae Variant Classification Sherloc (09022015). Collection method: clinical testing. Allele origin: germline.

Molecular Diagnostic Laboratory for Inherited Cardiovascular Disease, Montreal Heart Institute
Classification: Likely benign. Last evaluated: 2025-04-09. Review status: criteria provided, single submitter. Criteria: ACMG Guidelines, 2015. Collection method: clinical testing. Allele origin: germline. Affected: no.

Blueprint Genetics
Classification: Likely benign. Last evaluated: 2024-11-12. Review status: criteria provided, single submitter. Criteria: ACMG Guidelines, 2015. Collection method: clinical testing. Allele origin: germline.

CHEO Genetics Diagnostic Laboratory, Children's Hospital of Eastern Ontario
Classification: Benign for Cardiomyopathy. Last evaluated: 2019-10-23. Review status: criteria provided, single submitter. Criteria: ACMG Guidelines, 2015. Collection method: clinical testing. Allele origin: germline.

Ambry Genetics
Classification: Likely benign for Cardiovascular phenotype. Last evaluated: 2019-05-28. Review status: criteria provided, single submitter. Criteria: Ambry Variant Classification Scheme 2023. Collection method: clinical testing. Allele origin: germline.

Color Diagnostics, LLC DBA Color Health
Classification: Likely benign for Cardiomyopathy. Last evaluated: 2018-05-11. Review status: criteria provided, single submitter. Criteria: ACMG Guidelines, 2015. Collection method: clinical testing. Allele origin: germline.

GeneDx
Classification: Benign. Last evaluated: 2014-07-25. Review status: criteria provided, single submitter. Criteria: GeneDx Variant Classification (06012015). Collection method: clinical testing. Allele origin: germline. Affected: yes.
Comment: This variant is considered likely benign or benign based on one or more of the following criteria: it is a conservative change, it occurs at a poorly conserved position in the protein, it is predicted to be benign by multiple in silico algorithms, and/or has population frequency not consistent with disease.

Laboratory for Molecular Medicine, Mass General Brigham Personalized Medicine
Classification: Likely benign. Last evaluated: 2012-03-19. Review status: criteria provided, single submitter. Criteria: LMM Criteria. Collection method: clinical testing. Allele origin: germline. Observed: 1 variant allele.
Comment: c.1585-4G>A in Intron 14 of PRKAG2: This variant is not expected to have clinica l significance because it is not located within the splice consensus sequence. I t has been identified in 0.1% (5/3738) of African American chromosomes from a br oad population by the NHLBI Exome Sequencing Project (du/EVS;).

Clinical Genetics, Academic Medical Center
Classification: Benign. Review status: no assertion criteria provided. Collection method: clinical testing. Allele origin: germline. Affected: yes. Study: VKGL Data-share Consensus. Not counted in ClinVar's aggregate classification.

Diagnostic Laboratory, Department of Genetics, University Medical Center Groningen
Classification: Likely benign. Review status: no assertion criteria provided. Collection method: clinical testing. Allele origin: germline. Affected: yes. Study: VKGL Data-share Consensus. Not counted in ClinVar's aggregate classification.

NM_016203.4(PRKAG2):c.1585-4G>A

Gene: PRKAG2 (protein kinase AMP-activated non-catalytic subunit gamma 2; minus strand). Cytogenetic location: 7q36.1.
Variant type: single nucleotide variant.
Coding change: c.1585-4G>A on transcript NM_016203.4 (MANE Select); 4 bases into the intron before coding-DNA position 1585, G replaced by A.
Molecular consequence: intron variant.
Genome position (GRCh38, 1-based): chr7:151,560,621, C>T on the plus strand (G>A on the coding strand, the complement: PRKAG2 is on the minus strand). VCF-style: chr7-151560621-C-T. GRCh37 (hg19) VCF-style: chr7-151257707-C-T.
Other names: c.1453-4G>A (NM_001040633.2); c.1210-4G>A (NM_001304527.2); c.1213-4G>A (NM_001363698.2); c.862-4G>A (NM_001304531.2, NM_024429.2).
Identifiers: ClinVar variation 45700 (VCV000045700.34), dbSNP rs373649956, ClinGen allele CA013851.